The following is an entry in ClinVar:

NM_152419.3(HGSNAT):c.743+4T>C

Gene: HGSNAT (heparan-alpha-glucosaminide N-acetyltransferase; plus strand). Cytogenetic location: 8p11.21.
Variant type: single nucleotide variant.
Coding change: c.743+4T>C on transcript NM_152419.3 (MANE Select); 4 bases into the intron after coding-DNA position 743, T replaced by C.
Molecular consequence: intron variant.
Genome position (GRCh38, 1-based): chr8:43,170,698, T>C. VCF-style: chr8-43170698-T-C. GRCh37 (hg19) VCF-style: chr8-43025841-T-C.
Other names: c.743+4T>C (NM_001363227.2, NM_001363228.2); c.-91+4T>C (NM_001363229.2).
Identifiers: ClinVar variation 1448904 (VCV001448904.8), dbSNP rs765682296, ClinGen allele CA4736600.

ClinVar aggregate classification (germline): Uncertain significance (1 of 4 stars; one submission).

Conditions:
Mucopolysaccharidosis, MPS-III-C (MPS3C). Also called: SANFILIPPO SYNDROME C; MPS III C; MPS IIIC (Sanfilippo Syndrome Type C); MUCOPOLYSACCHARIDOSIS, TYPE IIIC; Mucopolysaccharidosis type IIIC (Sanfilippo C); mucopolysaccharidosis type 3C. Identifiers: Orphanet 581, Orphanet 79271, MedGen C0086649, MONDO:0009657, OMIM 252930.
Retinitis pigmentosa 73 (RP73). Identifiers: Orphanet 791, MedGen C4225287, MONDO:0014687, OMIM 616544.

Allele frequency attached by ClinVar (database versions not stated): TOPMed below 0.00001; gnomAD exomes below 0.00001; ExAC 0.00002.
gnomAD v4.1: 1 of 1,584,110 alleles (0.000063%); highest among the groups gnomAD compares: Non-Finnish European, 0.000086%; no homozygotes.

Submission:

Labcorp Genetics (formerly Invitae), Labcorp
Classification: Uncertain significance for Retinitis pigmentosa 73; Mucopolysaccharidosis, MPS-III-C. Last evaluated: 2025-01-07. Review status: criteria provided, single submitter. Criteria: Invitae Variant Classification Sherloc (09022015). Collection method: clinical testing. Allele origin: germline.
Comment: This sequence change falls in intron 7 of the HGSNAT gene. It does not directly change the encoded amino acid sequence of the HGSNAT protein. It affects a nucleotide within the consensus splice site. The frequency data for this variant in the population databases is considered unreliable, as metrics indicate poor data quality at this position in the gnomAD database. This variant has not been reported in the literature in individuals affected with HGSNAT-related conditions. ClinVar contains an entry for this variant (Variation ID: 1448904). Variants that disrupt the consensus splice site are a relatively common cause of aberrant splicing (PMID: 17576681, 9536098). Algorithms developed to predict the effect of sequence changes on RNA splicing suggest that this variant is not likely to affect RNA splicing. In summary, the available evidence is currently insufficient to determine the role of this variant in disease. Therefore, it has been classified as a Variant of Uncertain Significance.

Literature cited by the submitters: PubMed 17576681; PubMed 9536098.